The following is an entry in ClinVar:

NM_001164665.2(KIAA1549):c.4032+6G>A

Gene: KIAA1549 (KIAA1549; minus strand). Cytogenetic location: 7q34.
Variant type: single nucleotide variant.
Coding change: c.4032+6G>A on transcript NM_001164665.2 (MANE Select); 6 bases into the intron after coding-DNA position 4032, G replaced by A.
Molecular consequence: intron variant.
Genome position (GRCh38, 1-based): chr7:138,894,336, C>T on the plus strand (G>A on the coding strand, the complement: KIAA1549 is on the minus strand). VCF-style: chr7-138894336-C-T. GRCh37 (hg19) VCF-style: chr7-138579082-C-T.
Other names: c.4032+6G>A (NM_020910.3).
Identifiers: ClinVar variation 1417980 (VCV001417980.6), dbSNP rs370789874, ClinGen allele CA4506041.

ClinVar aggregate classification (germline): Uncertain significance (1 of 4 stars; one submission).

Allele frequency attached by ClinVar (database versions not stated): gnomAD exomes below 0.00001 and 0.00001; gnomAD 0.00001; ExAC 0.00002; TOPMed 0.00002; ESP Exome Variant Server 0.00008.
gnomAD v4.1: 8 of 1,613,608 alleles (0.0005%); highest among the groups gnomAD compares: East Asian, 0.0045%; no homozygotes.

Submission:

Labcorp Genetics (formerly Invitae), Labcorp
Classification: Uncertain significance. Last evaluated: 2023-07-10. Review status: criteria provided, single submitter. Criteria: Invitae Variant Classification Sherloc (09022015). Collection method: clinical testing. Allele origin: germline.
Comment: In summary, the available evidence is currently insufficient to determine the role of this variant in disease. Therefore, it has been classified as a Variant of Uncertain Significance. Variants that disrupt the consensus splice site are a relatively common cause of aberrant splicing (PMID: 17576681, 9536098). Algorithms developed to predict the effect of sequence changes on RNA splicing suggest that this variant is not likely to affect RNA splicing. ClinVar contains an entry for this variant (Variation ID: 1417980). This variant has not been reported in the literature in individuals affected with KIAA1549-related conditions. This variant is present in population databases (rs370789874, gnomAD 0.006%). This sequence change falls in intron 10 of the KIAA1549 gene. It does not directly change the encoded amino acid sequence of the KIAA1549 protein. It affects a nucleotide within the consensus splice site.

Literature cited by the submitters: PubMed 17576681; PubMed 9536098.